The following is an entry in ClinVar:

NM_170784.3(MKKS):c.65T>A (p.Val22Asp)

Gene: MKKS (MKKS centrosomal shuttling protein; minus strand). Cytogenetic location: 20p12.2.
Variant type: single nucleotide variant.
Coding change: c.65T>A on transcript NM_170784.3 (MANE Select); coding-DNA position 65, T replaced by A.
Protein change: p.Val22Asp; replaces valine 22 with aspartic acid.
Molecular consequence: missense variant.
Genome position (GRCh38, 1-based): chr20:10,413,450, A>T on the plus strand (T>A on the coding strand, the complement: MKKS is on the minus strand). VCF-style: chr20-10413450-A-T. GRCh37 (hg19) VCF-style: chr20-10394098-A-T.
Other names: c.65T>A, p.Val22Asp (NM_018848.3); c.65T>A (NM_018848.2); short protein forms V22D.
Identifiers: ClinVar variation 2417715 (VCV002417715.8), dbSNP rs1263047863, ClinGen allele CA408233899.

ClinVar aggregate classification (germline): Uncertain significance. Review status: criteria provided, multiple submitters, no conflicts (2 of 4 stars). 3 submissions from 3 submitters: Uncertain significance (2). 1 of the submissions does not count toward it. Last evaluated 2025-08-30.

Conditions:
MKKS-related disorder. Also called: MKKS-related condition; MKKS-related disorders.
Bardet-Biedl syndrome (BBS). Identifiers: Orphanet 110, MedGen C0752166, MONDO:0015229.
McKusick-Kaufman syndrome (MKKS). Also called: HYDROMETROCOLPOS SYNDROME; HYDROMETROCOLPOS, POSTAXIAL POLYDACTYLY, AND CONGENITAL HEART MALFORMATION. Identifiers: Orphanet 2473, MedGen C0948368, MONDO:0009367, OMIM 236700.
Inborn genetic diseases. Identifiers: MedGen C0950123, MeSH D030342.

Allele frequency attached by ClinVar (database versions not stated): gnomAD exomes below 0.00001; gnomAD 0.00001; TOPMed 0.00005.
gnomAD v4.1: 7 of 1,613,560 alleles (0.00043%); highest among the groups gnomAD compares: Middle Eastern, 0.016%; no homozygotes.

Submissions (3):

Ambry Genetics
Classification: Uncertain significance for Inborn genetic diseases. Last evaluated: 2025-08-30. Review status: criteria provided, single submitter. Criteria: Ambry Variant Classification Scheme 2023. Collection method: clinical testing. Allele origin: germline.

Labcorp Genetics (formerly Invitae), Labcorp
Classification: Uncertain significance for McKusick-Kaufman syndrome; Bardet-Biedl syndrome. Last evaluated: 2022-07-06. Review status: criteria provided, single submitter. Criteria: Invitae Variant Classification Sherloc (09022015). Collection method: clinical testing. Allele origin: germline.
Comment: This sequence change replaces valine, which is neutral and non-polar, with aspartic acid, which is acidic and polar, at codon 22 of the MKKS protein (p.Val22Asp). This variant is not present in population databases (gnomAD no frequency). This variant has not been reported in the literature in individuals affected with MKKS-related conditions. Algorithms developed to predict the effect of missense changes on protein structure and function are either unavailable or do not agree on the potential impact of this missense change (SIFT: "Deleterious"; PolyPhen-2: "Possibly Damaging"; Align-GVGD: "Class C0"). In summary, the available evidence is currently insufficient to determine the role of this variant in disease. Therefore, it has been classified as a Variant of Uncertain Significance.

PreventionGenetics, part of Exact Sciences
Classification: Uncertain significance for MKKS-related condition. Last evaluated: 2024-08-12. Review status: no assertion criteria provided. Collection method: clinical testing. Allele origin: germline. Not counted in ClinVar's aggregate classification.
Comment: The MKKS c.65T>A variant is predicted to result in the amino acid substitution p.Val22Asp. To our knowledge, this variant has not been reported in the literature or in a large population database, indicating this variant is rare. At this time, the clinical significance of this variant is uncertain due to the absence of conclusive functional and genetic evidence.